The following is an entry in ClinVar:

ClinVar aggregate classification (germline): Uncertain significance. Review status: reviewed by expert panel (3 of 4 stars). 4 submissions from 4 submitters: Uncertain significance (1). 3 of the submissions do not count toward it. Last evaluated 2026-11-06.

Conditions:
GUCY2D-related recessive retinopathy. Also called: Recessive GUCY2D retinopathy. Identifiers: MedGen CN305603, MONDO:0100453.
GUCY2D-related disorder. Also called: GUCY2D-related condition.
Cone-rod dystrophy 6 (CORD6). Also called: RETINAL CONE DYSTROPHY 2; Cone dystrophy progressive. Identifiers: Orphanet 1872, MedGen C1866293, MONDO:0011143, OMIM 601777.
Leber congenital amaurosis 1 (LCA1). Also called: AMAUROSIS CONGENITA OF LEBER I; RETINAL BLINDNESS, CONGENITAL; Congenital absence of the rods and cones; Leber's congenital tapetoretinal degeneration; Leber's congenital tapetoretinal dysplasia. Identifiers: Orphanet 65, MedGen C2931258, MONDO:0008764, OMIM 204000.

Allele frequency attached by ClinVar (database versions not stated): gnomAD exomes 0.00007; gnomAD 0.00001; ExAC 0.00003; TOPMed 0.00003.
gnomAD v4.1: 109 of 1,613,028 alleles (0.0068%); highest among the groups gnomAD compares: Middle Eastern, 0.017%; no homozygotes.

Submissions (4):

ClinGen Leber Congenital Amaurosis/early Onset Retinal Dystrophy Variant Curation Expert Panel, ClinGen
Classification: Uncertain significance for GUCY2D-related recessive retinopathy. Last evaluated: 2026-11-06. Review status: reviewed by expert panel. Criteria: ClinGen LCAeoRD ACMG Specifications GUCY2D V1.0.0. Collection method: curation. Allele origin: germline. Inheritance: Autosomal recessive inheritance.
Comment: The NM_000180.4(GUCY2D):c.1759C>G (p.Leu587Val) variant is predicted to replace the leucine at position p.587 with valine. This variant is present in gnomAD v.4.1.2 at a total allele frequency of 0.00006757, with 109 alleles / 1,613,028 total alleles, which is lower than the ClinGen LCA/eoRD VCEP PM2_Supporting threshold of <0.0004 (PM2_Supporting). The computational predictor REVEL gives a score of 0.345, which is below the ClinGen LCA/eoRD VCEP threshold of ≥0.644 for PP3 and above the threshold of <0.290 for BP4. Additionally, the splicing impact predictor SpliceAI gives a score of 0.07, which predicts a low or indeterminate impact on splicing. Neither PP3 nor BP4 is met. This variant has been reported in at least 1 proband with early-onset severe retinal dystrophy who was compound heterozygous with the NM_000180.4(GUCY2D):c2302C>T(p.Arg768Trp) variant (previously classified pathogenic by the ClinGen LCA/eoRD VCEP) confirmed in trans (1.0 total points, PM3) In summary, this variant meets the criteria to be classified as a Variant of Uncertain Significance for GUCY2D-related recessive retinopathy based on the ACMG/AMP criteria applied, as specified by the ClinGen LCA/eoRD VCEP: PM2_Supporting, PM3. (LCA/eoRD VCEP specifications version 1.0.0)

Labcorp Genetics (formerly Invitae), Labcorp
Classification: Uncertain significance for Leber congenital amaurosis 1; Cone-rod dystrophy 6. Last evaluated: 2024-03-01. Review status: criteria provided, single submitter. Criteria: Invitae Variant Classification Sherloc (09022015). Collection method: clinical testing. Allele origin: germline. Not counted in ClinVar's aggregate classification.
Comment: This sequence change replaces leucine, which is neutral and non-polar, with valine, which is neutral and non-polar, at codon 587 of the GUCY2D protein (p.Leu587Val). This variant is present in population databases (rs200241218, gnomAD 0.006%). This variant has not been reported in the literature in individuals affected with GUCY2D-related conditions. ClinVar contains an entry for this variant (Variation ID: 2194245). Advanced modeling of protein sequence and biophysical properties (such as structural, functional, and spatial information, amino acid conservation, physicochemical variation, residue mobility, and thermodynamic stability) performed at Invitae indicates that this missense variant is not expected to disrupt GUCY2D protein function with a negative predictive value of 80%. In summary, the available evidence is currently insufficient to determine the role of this variant in disease. Therefore, it has been classified as a Variant of Uncertain Significance.

Blueprint Genetics
Classification: Uncertain significance. Last evaluated: 2019-07-20. Review status: criteria provided, single submitter. Criteria: ACMG Guidelines, 2015. Collection method: clinical testing. Allele origin: germline. Not counted in ClinVar's aggregate classification.

PreventionGenetics, part of Exact Sciences
Classification: Uncertain significance for GUCY2D-related condition. Last evaluated: 2024-08-01. Review status: no assertion criteria provided. Collection method: clinical testing. Allele origin: germline. Not counted in ClinVar's aggregate classification.
Comment: The GUCY2D c.1759C>G variant is predicted to result in the amino acid substitution p.Leu587Val. To our knowledge, this variant has not been reported in the literature. An alternate substitution of this amino acid residue (p.Leu587Arg) has been reported in the homozygous state in an individual with retinal dystrophy (Rodilla et al. 2023. PubMed ID: 37327959). This variant is reported in 0.0071% of alleles in individuals of European (Non-Finnish) descent in gnomAD. At this time, the clinical significance of this variant is uncertain due to the absence of conclusive functional and genetic evidence.

NM_000180.4(GUCY2D):c.1759C>G (p.Leu587Val)

Gene: GUCY2D (guanylate cyclase 2D, retinal; plus strand). Cytogenetic location: 17p13.1.
Variant type: single nucleotide variant.
Coding change: c.1759C>G on transcript NM_000180.4 (MANE Select); coding-DNA position 1759, C replaced by G.
Protein change: p.Leu587Val; replaces leucine 587 with valine.
Molecular consequence: missense variant.
Genome position (GRCh38, 1-based): chr17:8,012,153, C>G. VCF-style: chr17-8012153-C-G. GRCh37 (hg19) VCF-style: chr17-7915471-C-G.
Other names: NM_000180.4(GUCY2D):c.1759C>G; p.Leu587Val; c.1759C>G (NM_000180.3); short protein forms L587V.
Identifiers: ClinVar variation 2194245 (VCV002194245.6), dbSNP rs200241218, ClinGen allele CA8365893.